The following is an entry in ClinVar:

NM_022168.4(IFIH1):c.2552A>G (p.Glu851Gly)

Gene: IFIH1 (interferon induced with helicase C domain 1; minus strand). Cytogenetic location: 2q24.2.
Variant type: single nucleotide variant.
Coding change: c.2552A>G on transcript NM_022168.4 (MANE Select); coding-DNA position 2552, A replaced by G.
Protein change: p.Glu851Gly; replaces glutamic acid 851 with glycine.
Molecular consequence: missense variant.
Genome position (GRCh38, 1-based): chr2:162,272,290, T>C on the plus strand (A>G on the coding strand, the complement: IFIH1 is on the minus strand). VCF-style: chr2-162272290-T-C. GRCh37 (hg19) VCF-style: chr2-163128800-T-C.
Other names: short protein forms E851G.
Identifiers: ClinVar variation 3753619 (VCV003753619.2).

ClinVar aggregate classification (germline): Uncertain significance (1 of 4 stars; one submission).

Conditions:
Singleton-Merten syndrome 1 (SGMRT1). Also called: Widened medullary cavities of bone, aortic calcification, abnormal dentition, and muscular weakness; Syndrome of widened medullary cavities of the metacarpals and phalanges, aortic calcification and abnormal dentition. Identifiers: Orphanet 85191, MedGen C4225427, MONDO:0024535, OMIM 182250.
Aicardi-Goutieres syndrome 7 (AGS7). Identifiers: Orphanet 51, MedGen C3888244, MONDO:0014367, OMIM 615846.

Submission:

Labcorp Genetics (formerly Invitae), Labcorp
Classification: Uncertain significance for Aicardi-Goutieres syndrome 7; Singleton-Merten syndrome 1. Last evaluated: 2024-10-16. Review status: criteria provided, single submitter. Criteria: Invitae Variant Classification Sherloc (09022015). Collection method: clinical testing. Allele origin: germline.
Comment: This sequence change replaces glutamic acid, which is acidic and polar, with glycine, which is neutral and non-polar, at codon 851 of the IFIH1 protein (p.Glu851Gly). This variant is not present in population databases (gnomAD no frequency). This variant has not been reported in the literature in individuals affected with IFIH1-related conditions. Invitae Evidence Modeling of protein sequence and biophysical properties (such as structural, functional, and spatial information, amino acid conservation, physicochemical variation, residue mobility, and thermodynamic stability) has been performed for this missense variant. However, the output from this modeling did not meet the statistical confidence thresholds required to predict the impact of this variant on IFIH1 protein function. In summary, the available evidence is currently insufficient to determine the role of this variant in disease. Therefore, it has been classified as a Variant of Uncertain Significance.